The following is an entry in ClinVar:

NM_005027.4(PIK3R2):c.72G>A (p.Glu24=)

Gene: PIK3R2 (phosphoinositide-3-kinase regulatory subunit 2; plus strand). Cytogenetic location: 19p13.11.
Variant type: single nucleotide variant.
Coding change: c.72G>A on transcript NM_005027.4 (MANE Select); coding-DNA position 72, G replaced by A.
Protein change: p.Glu24=; no amino-acid change (glutamic acid 24 retained).
Molecular consequence: synonymous variant. On other transcripts: non-coding transcript variant (2).
Genome position (GRCh38, 1-based): chr19:18,155,951, G>A. VCF-style: chr19-18155951-G-A. GRCh37 (hg19) VCF-style: chr19-18266761-G-A.
Identifiers: ClinVar variation 3032108 (VCV003032108.2), dbSNP rs918341800, ClinGen allele CA306163909.

ClinVar aggregate classification (germline): Likely benign (0 of 4 stars; one submission).

Conditions:
PIK3R2-related disorder. Also called: PIK3R2-related condition.

Allele frequency attached by ClinVar (database versions not stated): gnomAD 0.00001; gnomAD exomes 0.00001; TOPMed 0.00001.
gnomAD v4.1: 23 of 1,570,166 alleles (0.0015%); highest among the groups gnomAD compares: Non-Finnish European, 0.0017%; no homozygotes.

Submission:

PreventionGenetics, part of Exact Sciences
Classification: Likely benign for PIK3R2-related condition. Last evaluated: 2021-09-30. Review status: no assertion criteria provided. Collection method: clinical testing. Allele origin: germline.
Comment: This variant is classified as likely benign based on ACMG/AMP sequence variant interpretation guidelines (Richards et al. 2015 PMID: 25741868, with internal and published modifications).